The following is an entry in ClinVar:

ClinVar aggregate classification (germline): Uncertain significance (1 of 4 stars; one submission).

Submission:

Labcorp Genetics (formerly Invitae), Labcorp
Classification: Uncertain significance. Last evaluated: 2022-09-19. Review status: criteria provided, single submitter. Criteria: Invitae Variant Classification Sherloc (09022015). Collection method: clinical testing. Allele origin: germline.
Comment: Advanced modeling of protein sequence and biophysical properties (such as structural, functional, and spatial information, amino acid conservation, physicochemical variation, residue mobility, and thermodynamic stability) performed at Invitae indicates that this missense variant is not expected to disrupt CACNA1E protein function. In summary, the available evidence is currently insufficient to determine the role of this variant in disease. Therefore, it has been classified as a Variant of Uncertain Significance. This variant has not been reported in the literature in individuals affected with CACNA1E-related conditions. This sequence change replaces glycine, which is neutral and non-polar, with glutamic acid, which is acidic and polar, at codon 1016 of the CACNA1E protein (p.Gly1016Glu). This variant is not present in population databases (gnomAD no frequency).

NM_001205293.3(CACNA1E):c.3047G>A (p.Gly1016Glu)

Gene: CACNA1E (calcium voltage-gated channel subunit alpha1 E; plus strand). Cytogenetic location: 1q25.3.
Variant type: single nucleotide variant.
Coding change: c.3047G>A on transcript NM_001205293.3 (MANE Select); coding-DNA position 3047, G replaced by A.
Protein change: p.Gly1016Glu; replaces glycine 1016 with glutamic acid.
Molecular consequence: missense variant.
Genome position (GRCh38, 1-based): chr1:181,733,535, G>A. VCF-style: chr1-181733535-G-A. GRCh37 (hg19) VCF-style: chr1-181702671-G-A.
Other names: c.3047G>A, p.Gly1016Glu (NM_000721.4); c.2990G>A, p.Gly997Glu (NM_001205294.2); short protein forms G1016E, G997E.
Identifiers: ClinVar variation 2003135 (VCV002003135.4), dbSNP rs2528711425, ClinGen allele CA343620749.